The following is an entry in ClinVar:

ClinVar aggregate classification (germline): Likely pathogenic. Review status: criteria provided, single submitter (1 of 4 stars). 2 submissions from 2 submitters: Likely pathogenic (1). 1 of the submissions does not count toward it. Last evaluated 2025-06-16.

Conditions:
Noonan syndrome (NS). Also called: Noonan's syndrome. Identifiers: Orphanet 648, MedGen C0028326, MeSH D009634, MONDO:0018997. Disease mechanism: gain of function.

Submissions (2):

Labcorp Genetics (formerly Invitae), Labcorp
Classification: Likely pathogenic. Last evaluated: 2025-06-16. Review status: criteria provided, single submitter. Criteria: Invitae Variant Classification Sherloc (09022015). Collection method: clinical testing. Allele origin: germline.
Comment: This sequence change replaces glycine, which is neutral and non-polar, with glutamic acid, which is acidic and polar, at codon 248 of the LZTR1 protein (p.Gly248Glu). This variant is not present in population databases (gnomAD no frequency). This missense change has been observed in individual(s) with Noonan syndrome (PMID: 35840934). In at least one individual the variant was observed to be de novo. ClinVar contains an entry for this variant (Variation ID: 1344894). Invitae Evidence Modeling of protein sequence and biophysical properties (such as structural, functional, and spatial information, amino acid conservation, physicochemical variation, residue mobility, and thermodynamic stability) indicates that this missense variant is not expected to disrupt LZTR1 protein function with a negative predictive value of 80%. This variant disrupts the p.Gly248 amino acid residue in LZTR1. Other variant(s) that disrupt this residue have been determined to be pathogenic (PMID: 25795793, 30368668, 30859559). This suggests that this residue is clinically significant, and that variants that disrupt this residue are likely to be disease-causing. In summary, the currently available evidence indicates that the variant is pathogenic, but additional data are needed to prove that conclusively. Therefore, this variant has been classified as Likely Pathogenic.

University Health Network, Familial Cancer Clinic, Princess Margaret Cancer Centre
Classification: Likely pathogenic for Noonan syndrome. Review status: no assertion criteria provided. Collection method: clinical testing. Allele origin: de novo. Affected: yes. Not counted in ClinVar's aggregate classification.

Literature cited by the submitters: PubMed 35840934 (cited by Labcorp Genetics (formerly Invitae), Labcorp); PubMed 25795793 (cited by Labcorp Genetics (formerly Invitae), Labcorp); PubMed 30368668 (cited by Labcorp Genetics (formerly Invitae), Labcorp); PubMed 30859559 (cited by Labcorp Genetics (formerly Invitae), Labcorp).

NM_006767.4(LZTR1):c.743G>A (p.Gly248Glu)

Gene: LZTR1 (leucine zipper like post translational regulator 1; plus strand). Cytogenetic location: 22q11.21.
Variant type: single nucleotide variant.
Coding change: c.743G>A on transcript NM_006767.4 (MANE Select); coding-DNA position 743, G replaced by A.
Protein change: p.Gly248Glu; replaces glycine 248 with glutamic acid.
Molecular consequence: missense variant.
Genome position (GRCh38, 1-based): chr22:20,990,477, G>A. VCF-style: chr22-20990477-G-A. GRCh37 (hg19) VCF-style: chr22-21344766-G-A.
Other names: short protein forms G248E.
Identifiers: ClinVar variation 1344894 (VCV001344894.3), dbSNP rs2147964105, ClinGen allele CA410780606.
Genomic context (GRCh38, chr22:20,990,477, plus strand): 5'-GCTGCAACTTCCCCGTGGCTGTGTGCCGGGACAAGATGTTTGTATTCTCTGGGCAAAGCG[G>A]AGCCAAAATAACCAACAACCTCTTCCAGTTTGAATTCAAGGACAAGACGTGAGTACTCTG-3'
Protein context (NP_006758.2, residues 238-258): DKMFVFSGQS[Gly248Glu]AKITNNLFQF